The following is an entry in ClinVar:

NC_000005.10:g.(?_179113857)_(179345338_?)dup

Gene: ADAMTS2 (ADAM metallopeptidase with thrombospondin type 1 motif 2; minus strand). Cytogenetic location: 5q35.3.
Variant type: Duplication.
Identifiers: ClinVar variation 832012 (VCV000832012.3).

ClinVar aggregate classification (germline): Uncertain significance (1 of 4 stars; one submission).

Conditions:
Ehlers-Danlos syndrome, dermatosparaxis type. Also called: Dermatosparaxis; EDS VIIC; Ehlers-Danlos syndrome, type VII, autosomal recessive. Identifiers: Orphanet 1901, MedGen C2700425, MONDO:0009161, OMIM 225410.

Submission:

Labcorp Genetics (formerly Invitae), Labcorp
Classification: Uncertain significance for Ehlers-Danlos syndrome, dermatosparaxis type. Last evaluated: 2019-09-01. Review status: criteria provided, single submitter. Criteria: Invitae Variant Classification Sherloc (09022015). Collection method: clinical testing. Allele origin: germline.
Comment: This variant results in a copy number gain of the genomic region encompassing the full coding sequence of the ADAMTS2 gene. The boundaries of this event are unknown as they extend beyond the assayed region for this gene and therefore may encompass additional genes. As the precise location of this event is unknown, it may be in tandem or it may be located elsewhere in the genome. This variant has not been reported in the literature in individuals with ADAMTS2-related conditions. In summary, the available evidence is currently insufficient to determine the role of this variant in disease. Therefore, it has been classified as a Variant of Uncertain Significance.